The following is an entry in ClinVar:

NM_005188.4(CBL):c.250A>G (p.Ile84Val)

Gene: CBL (Cbl proto-oncogene; plus strand). Cytogenetic location: 11q23.3.
Variant type: single nucleotide variant.
Coding change: c.250A>G on transcript NM_005188.4 (MANE Select); coding-DNA position 250, A replaced by G.
Protein change: p.Ile84Val; replaces isoleucine 84 with valine.
Molecular consequence: missense variant.
Genome position (GRCh38, 1-based): chr11:119,232,502, A>G. VCF-style: chr11-119232502-A-G. GRCh37 (hg19) VCF-style: chr11-119103212-A-G.
Other names: short protein forms I84V.
Identifiers: ClinVar variation 2767082 (VCV002767082.4), dbSNP rs1379287344, ClinGen allele CA16622061.
Genomic context (GRCh38, chr11:119,232,502, plus strand): 5'-TTGCAGGTGGTGCGGTTGTGTCAGAACCCAAAGCTGGCGCTAAAGAATAGCCCACCTTAT[A>G]TCTTAGACCTGCTACCAGATACCTACCAGCATCTCCGTACTATCTTGTCAAGATATGAGG-3'
Protein context (NP_005179.2, residues 74-94): KLALKNSPPY[Ile84Val]LDLLPDTYQH

ClinVar aggregate classification (germline): Uncertain significance. Review status: criteria provided, multiple submitters, no conflicts (2 of 4 stars). 2 submissions from 2 submitters: Uncertain significance (2). Last evaluated 2024-06-03.

Conditions:
RASopathy. Also called: rasopathies; Noonan spectrum disorder. Identifiers: Orphanet 536391, MedGen C5555857, MONDO:0021060.
CBL-related disorder. Also called: CBL MUTATION-ASSOCIATED SYNDROME; CBL SYNDROME; NOONAN SYNDROME-LIKE DISORDER WITHOUT JUVENILE MYELOMONOCYTIC LEUKEMIA. Identifiers: Orphanet 363972, MedGen C3150803, MONDO:0013308, OMIM 613563.

Allele frequency attached by ClinVar (database versions not stated): gnomAD exomes below 0.00001.
gnomAD v4.1: 7 of 1,614,064 alleles (0.00043%); highest among the groups gnomAD compares: Non-Finnish European, 0.00051%; no homozygotes.

Submissions (2):

St. Jude Molecular Pathology, St. Jude Children's Research Hospital
Classification: Uncertain significance for CBL-related disorder. Last evaluated: 2024-06-03. Review status: criteria provided, single submitter. Criteria: St. Jude Assertion Criteria 2020. Collection method: clinical testing. Allele origin: germline.
Comment: The CBL c.250A>G (p.Ile84Val) missense change has a maximum subpopulation frequency of 0.0009% in gnomAD v2.1.1. The in silico tool REVEL is inconclusive about a pathogenic or benign effect of this variant on protein function, and to our knowledge functional studies have not been performed. To our knowledge, this variant has not been reported in individuals with features consistent with a Noonan syndrome-like disorder. In summary, the evidence currently available is insufficient to determine the clinical significance of this variant. It has therefore been classified as of uncertain significance.

Labcorp Genetics (formerly Invitae), Labcorp
Classification: Uncertain significance for RASopathy. Last evaluated: 2023-10-30. Review status: criteria provided, single submitter. Criteria: Invitae Variant Classification Sherloc (09022015). Collection method: clinical testing. Allele origin: germline.
Comment: This sequence change replaces isoleucine, which is neutral and non-polar, with valine, which is neutral and non-polar, at codon 84 of the CBL protein (p.Ile84Val). This variant is present in population databases (no rsID available, gnomAD 0.0009%). This variant has not been reported in the literature in individuals affected with CBL-related conditions. Advanced modeling of protein sequence and biophysical properties (such as structural, functional, and spatial information, amino acid conservation, physicochemical variation, residue mobility, and thermodynamic stability) has been performed at Invitae for this missense variant, however the output from this modeling did not meet the statistical confidence thresholds required to predict the impact of this variant on CBL protein function. In summary, the available evidence is currently insufficient to determine the role of this variant in disease. Therefore, it has been classified as a Variant of Uncertain Significance.